The following is an entry in ClinVar:

NM_001267550.2(TTN):c.10493G>A (p.Trp3498Ter)

Gene: TTN (titin; minus strand). Cytogenetic location: 2q31.2.
Variant type: single nucleotide variant.
Coding change: c.10493G>A on transcript NM_001267550.2 (MANE Select); coding-DNA position 10493, G replaced by A.
Protein change: p.Trp3498Ter; replaces tryptophan 3498 with a stop codon.
Molecular consequence: nonsense. On other transcripts: intron variant (5).
Genome position (GRCh38, 1-based): chr2:178,757,727, C>T on the plus strand (G>A on the coding strand, the complement: TTN is on the minus strand). VCF-style: chr2-178757727-C-T. GRCh37 (hg19) VCF-style: chr2-179622454-C-T.
Other names: c.10355G>A, p.Trp3452Ter (NM_133432.3); c.10165+1257G>A (NM_003319.4); c.10166-930G>A (NM_133437.4); c.10303+1257G>A (NM_133378.4, NM_001256850.1, NM_133379.5); short protein forms W3452*, W3498*.
Identifiers: ClinVar variation 2429599 (VCV002429599.1), dbSNP rs2531846381, ClinGen allele CA349672158.
Genomic context (GRCh38, chr2:178,757,727, plus strand): 5'-GACTCCTCAAAATGGAAAACTACATCTTTTGTTGGTAGAATTAGCTGCTGGTTATGAAAC[C>T]ATTGGATTTCTGGCTTGGGAATGCCAGAAACCCTCGCATGAAATCTGACTGTCTCCCCGT-3'

ClinVar aggregate classification (germline): Uncertain significance (1 of 4 stars; one submission).

Submission:

GeneDx
Classification: Uncertain significance. Last evaluated: 2022-08-11. Review status: criteria provided, single submitter. Criteria: GeneDx Variant Classification Process June 2021. Collection method: clinical testing. Allele origin: germline. Affected: yes.
Comment: Not observed at significant frequency in large population cohorts (gnomAD); Nonsense variant predicted to result in protein truncation or nonsense mediated decay in region of a gene for which loss of function is not a well-established mechanism of disease; Not located in a region of TTN in which loss of function variants are significantly associated with titinopathies; Has not been previously published as pathogenic or benign to our knowledge